The following is an entry in ClinVar:

NM_001696.4(ATP6V1E1):c.383T>C (p.Leu128Pro)

Gene: ATP6V1E1 (ATPase H+ transporting V1 subunit E1; minus strand). Cytogenetic location: 22q11.21.
Variant type: single nucleotide variant.
Coding change: c.383T>C on transcript NM_001696.4 (MANE Select); coding-DNA position 383, T replaced by C.
Protein change: p.Leu128Pro; replaces leucine 128 with proline.
Molecular consequence: missense variant.
Genome position (GRCh38, 1-based): chr22:17,600,079, A>G on the plus strand (T>C on the coding strand, the complement: ATP6V1E1 is on the minus strand). VCF-style: chr22-17600079-A-G. GRCh37 (hg19) VCF-style: chr22-18082845-A-G.
Other names: c.317T>C, p.Leu106Pro (NM_001039366.1); c.293T>C, p.Leu98Pro (NM_001039367.1); short protein forms L128P, L106P, L98P.
Identifiers: ClinVar variation 417759 (VCV000417759.2), dbSNP rs1060505031, ClinGen allele CA16616866.

ClinVar aggregate classification (germline): no classifications from unflagged records (0 of 4 stars; one submission).

Conditions:
Autosomal recessive cutis laxa type 2C. Also called: CUTIS LAXA, AUTOSOMAL RECESSIVE, TYPE IIC. Identifiers: MedGen C4479387, MONDO:0027462, OMIM 617402.

Submission:

OMIM
Classification: Pathogenic for CUTIS LAXA, AUTOSOMAL RECESSIVE, TYPE IIC. Last evaluated: 2019-03-22. Review status: flagged submission. Collection method: literature only. Allele origin: germline.
ClinVar note: Notes: Flagging candidate with reason of insufficient supporting evidence. This gene has been classified as having a limited gene-disease relationship by a ClinGen Expert Panel.
ClinVar note: Reason: P/LP classification for a variant in a gene with insufficient evidence for a gene-disease relationship

Literature cited by the submitters: PubMed 28065471.